The following is an entry in ClinVar:

NM_001846.4(COL4A2):c.1135G>A (p.Glu379Lys)

Gene: COL4A2 (collagen type IV alpha 2 chain; plus strand). Cytogenetic location: 13q34.
Variant type: single nucleotide variant.
Coding change: c.1135G>A on transcript NM_001846.4 (MANE Select); coding-DNA position 1135, G replaced by A.
Protein change: p.Glu379Lys; replaces glutamic acid 379 with lysine.
Molecular consequence: missense variant.
Genome position (GRCh38, 1-based): chr13:110,449,735, G>A. VCF-style: chr13-110449735-G-A. GRCh37 (hg19) VCF-style: chr13-111102082-G-A.
Other names: short protein forms E379K.
Identifiers: ClinVar variation 1432383 (VCV001432383.6), dbSNP rs1178832851, ClinGen allele CA388734128.

ClinVar aggregate classification (germline): Uncertain significance (1 of 4 stars; one submission).

Allele frequency attached by ClinVar (database versions not stated): gnomAD 0.00001; gnomAD exomes 0.00001 and 0.00002; TOPMed 0.00001.
gnomAD v4.1: 11 of 1,549,520 alleles (0.00071%); highest among the groups gnomAD compares: Admixed American, 0.012%; no homozygotes.

Submission:

Labcorp Genetics (formerly Invitae), Labcorp
Classification: Uncertain significance. Last evaluated: 2022-12-06. Review status: criteria provided, single submitter. Criteria: Invitae Variant Classification Sherloc (09022015). Collection method: clinical testing. Allele origin: germline.
Comment: Algorithms developed to predict the effect of sequence changes on RNA splicing suggest that this variant may create or strengthen a splice site. Advanced modeling of protein sequence and biophysical properties (such as structural, functional, and spatial information, amino acid conservation, physicochemical variation, residue mobility, and thermodynamic stability) performed at Invitae indicates that this missense variant is not expected to disrupt COL4A2 protein function. ClinVar contains an entry for this variant (Variation ID: 1432383). This variant has not been reported in the literature in individuals affected with COL4A2-related conditions. This variant is present in population databases (no rsID available, gnomAD 0.008%). This sequence change replaces glutamic acid with lysine at codon 379 of the COL4A2 protein (p.Glu379Lys). The glutamic acid residue is moderately conserved and there is a small physicochemical difference between glutamic acid and lysine. In summary, the available evidence is currently insufficient to determine the role of this variant in disease. Therefore, it has been classified as a Variant of Uncertain Significance.